The following is an entry in ClinVar:

ClinVar aggregate classification (germline): Uncertain significance (1 of 4 stars; one submission).

Conditions:
Aortic valve disease 2 (AOVD2). Identifiers: MedGen C3542024, MONDO:0013902, OMIM 614823.

Submission:

Labcorp Genetics (formerly Invitae), Labcorp
Classification: Uncertain significance for Aortic valve disease 2. Last evaluated: 2024-05-09. Review status: criteria provided, single submitter. Criteria: Invitae Variant Classification Sherloc (09022015). Collection method: clinical testing. Allele origin: germline.
Comment: This variant, c.502_504del, results in the deletion of 1 amino acid(s) of the SMAD6 protein (p.Leu168del), but otherwise preserves the integrity of the reading frame. The frequency data for this variant in the population databases is considered unreliable, as metrics indicate poor data quality at this position in the gnomAD database. This variant has not been reported in the literature in individuals affected with SMAD6-related conditions. Experimental studies and prediction algorithms are not available or were not evaluated, and the functional significance of this variant is currently unknown. In summary, the available evidence is currently insufficient to determine the role of this variant in disease. Therefore, it has been classified as a Variant of Uncertain Significance.

NM_005585.5(SMAD6):c.493CTG[3] (p.Leu168del)

Gene: SMAD6 (SMAD family member 6; plus strand). Cytogenetic location: 15q22.31.
Variant type: Microsatellite.
Coding change: c.493CTG[3] on transcript NM_005585.5 (MANE Select); three copies in a row of the 3-base unit CTG starting at c.493; the reference has four copies in a row; one copy, 3 bases deleted.
Protein change: p.Leu168del; deletes leucine 168.
Molecular consequence: inframe deletion. On other transcripts: non-coding transcript variant (1).
Genome position (GRCh38, 1-based): chr15:66,703,760-66,703,762, CTG deleted; deleting any 3 consecutive bases within chr15:66,703,750-66,703,762 gives the same sequence; the position shown is the placement nearest the transcript's 3' end. VCF-style (leftmost placement, unchanged base first): chr15-66703749-GGCT-G. GRCh37 (hg19) VCF-style: chr15-66996087-GGCT-G.
Other names: short protein forms L168del.
Identifiers: ClinVar variation 2733212 (VCV002733212.3), dbSNP rs769741974, ClinGen allele CA7626474.
Genomic context (GRCh38, chr15:66,703,749, plus strand): 5'-CCCTGGCCGGGGCGGCCCTGGAGCCGGCGGGCGGCGGGCGGAGTCGCGAAGCGCGCTCGC[GGCT>G]GCTGCTGCTGGAGCAGGAACTCAAAACCGTCACGTACTCGCTGCTGAAGCGGCTCAAGGA-3'